The following is an entry in ClinVar:

NM_025074.7(FRAS1):c.6967C>T (p.Gln2323Ter)

Gene: FRAS1 (Fraser extracellular matrix complex subunit 1; plus strand). Cytogenetic location: 4q21.21.
Variant type: single nucleotide variant.
Coding change: c.6967C>T on transcript NM_025074.7 (MANE Select); coding-DNA position 6967, C replaced by T.
Protein change: p.Gln2323Ter; replaces glutamine 2323 with a stop codon.
Molecular consequence: nonsense.
Genome position (GRCh38, 1-based): chr4:78,464,521, C>T. VCF-style: chr4-78464521-C-T. GRCh37 (hg19) VCF-style: chr4-79385675-C-T.
Other names: short protein forms Q2323*.
Identifiers: ClinVar variation 2807665 (VCV002807665.3), dbSNP rs2477271367, ClinGen allele CA357402137.
Genomic context (GRCh38, chr4:78,464,521, plus strand): 5'-ATCACTCTTCACCCTGTCGATGATTCGCTGCCCGTCGTACAGAACTTAGGAATGCGGGTG[C>T]AGGAGGGCATGAGGAAGACCATCACAGAGTTTGAGCTTAAGGCGGTGGATGCTGACACAG-3'

ClinVar aggregate classification (germline): Pathogenic (1 of 4 stars; one submission).

Submission:

Labcorp Genetics (formerly Invitae), Labcorp
Classification: Pathogenic. Last evaluated: 2023-09-19. Review status: criteria provided, single submitter. Criteria: Invitae Variant Classification Sherloc (09022015). Collection method: clinical testing. Allele origin: germline.
Comment: This sequence change creates a premature translational stop signal (p.Gln2323*) in the FRAS1 gene. It is expected to result in an absent or disrupted protein product. Loss-of-function variants in FRAS1 are known to be pathogenic (PMID: 12766769, 18671281). This variant is not present in population databases (gnomAD no frequency). This variant has not been reported in the literature in individuals affected with FRAS1-related conditions. For these reasons, this variant has been classified as Pathogenic.

Literature cited by the submitters: PubMed 12766769; PubMed 18671281.